The following is an entry in ClinVar:

NM_018557.3(LRP1B):c.1239T>C (p.Val413=)

Gene: LRP1B (LDL receptor related protein 1B; minus strand). Cytogenetic location: 2q22.1.
Variant type: single nucleotide variant.
Coding change: c.1239T>C on transcript NM_018557.3 (MANE Select); coding-DNA position 1239, T replaced by C.
Protein change: p.Val413=; no amino-acid change (valine 413 retained).
Molecular consequence: synonymous variant.
Genome position (GRCh38, 1-based): chr2:141,059,052, A>G on the plus strand (T>C on the coding strand, the complement: LRP1B is on the minus strand). VCF-style: chr2-141059052-A-G. GRCh37 (hg19) VCF-style: chr2-141816621-A-G.
Identifiers: ClinVar variation 3059050 (VCV003059050.2), dbSNP rs1525579, ClinGen allele CA1896062.

ClinVar aggregate classification (germline): Benign (0 of 4 stars; one submission).

Conditions:
LRP1B-related disorder. Also called: LRP1B-related condition.

Allele frequency attached by ClinVar (database versions not stated): ESP Exome Variant Server 0.94048; TOPMed 0.94306; 1000 Genomes Project 30x 0.94347; 1000 Genomes Project 0.94529; gnomAD 0.94967; ExAC 0.98431.
gnomAD v4.1: 1,508,536 of 1,522,440 alleles (99%); highest among the groups gnomAD compares: East Asian, 100%; 748,505 homozygotes.

Submission:

PreventionGenetics, part of Exact Sciences
Classification: Benign for LRP1B-related condition. Last evaluated: 2019-11-06. Review status: no assertion criteria provided. Collection method: clinical testing. Allele origin: germline.
Comment: This variant is classified as benign based on ACMG/AMP sequence variant interpretation guidelines (Richards et al. 2015 PMID: 25741868, with internal and published modifications).